The following is an entry in ClinVar:

ClinVar aggregate classification (germline): Uncertain significance. Review status: criteria provided, multiple submitters, no conflicts (2 of 4 stars). 3 submissions from 3 submitters: Uncertain significance (3). Last evaluated 2025-10-24.

Conditions:
Inborn genetic diseases. Identifiers: MedGen C0950123, MeSH D030342.

Allele frequency attached by ClinVar (database versions not stated): ESP Exome Variant Server 0.00023; gnomAD 0.00033 and 0.00031; TOPMed 0.00039; gnomAD exomes 0.00009; ExAC 0.00012.

Submissions (3):

Ambry Genetics
Classification: Uncertain significance for Inborn genetic diseases. Last evaluated: 2025-10-24. Review status: criteria provided, single submitter. Criteria: Ambry Variant Classification Scheme 2023. Collection method: clinical testing. Allele origin: germline.

Labcorp Genetics (formerly Invitae), Labcorp
Classification: Uncertain significance. Last evaluated: 2024-11-06. Review status: criteria provided, single submitter. Criteria: Invitae Variant Classification Sherloc (09022015). Collection method: clinical testing. Allele origin: germline.
Comment: This sequence change replaces glycine, which is neutral and non-polar, with serine, which is neutral and polar, at codon 476 of the TBXAS1 protein (p.Gly476Ser). This variant is present in population databases (rs139418226, gnomAD 0.1%). This variant has not been reported in the literature in individuals affected with TBXAS1-related conditions. ClinVar contains an entry for this variant (Variation ID: 1371526). Invitae Evidence Modeling of protein sequence and biophysical properties (such as structural, functional, and spatial information, amino acid conservation, physicochemical variation, residue mobility, and thermodynamic stability) indicates that this missense variant is expected to disrupt TBXAS1 protein function with a positive predictive value of 95%. In summary, the available evidence is currently insufficient to determine the role of this variant in disease. Therefore, it has been classified as a Variant of Uncertain Significance.

Greenwood Genetic Center Diagnostic Laboratories, Greenwood Genetic Center
Classification: Uncertain significance. Last evaluated: 2024-03-06. Review status: criteria provided, single submitter. Criteria: ACMG Guidelines, 2015. Collection method: clinical testing. Allele origin: germline. Affected: yes.
Comment: PM3_Supporting, PP3

NM_001061.7(TBXAS1):c.1423G>A (p.Gly475Ser)

Gene: TBXAS1 (thromboxane A synthase 1; plus strand). Cytogenetic location: 7q34.
Variant type: single nucleotide variant.
Coding change: c.1423G>A on transcript NM_001061.7 (MANE Select); coding-DNA position 1423, G replaced by A.
Protein change: p.Gly475Ser; replaces glycine 475 with serine.
Molecular consequence: missense variant. On other transcripts: intron variant (1).
Genome position (GRCh38, 1-based): chr7:140,017,729, G>A. VCF-style: chr7-140017729-G-A. GRCh37 (hg19) VCF-style: chr7-139717529-G-A.
Other names: c.1423G>A, p.Gly475Ser (NM_001130966.5); c.1561G>A, p.Gly521Ser (NM_001166253.4); c.1222G>A, p.Gly408Ser (NM_001166254.4); c.1366G>A, p.Gly456Ser (NM_001314028.4); c.1240G>A, p.Gly414Ser (NM_001366537.3); c.1364+1869G>A (NM_030984.6); c.1426G>A (NM_001061.4); c.1423G>A (NM_001061.6); short protein forms G475S, G521S, G456S, G408S, G414S.
Identifiers: ClinVar variation 1371526 (VCV001371526.7), dbSNP rs139418226, ClinGen allele CA4512045.
Genomic context (GRCh38, chr7:140,017,729, plus strand): 5'-AGGTTCACGGCTGAGGCCCGGCAGCAGCACCGGCCCTTCACGTACCTGCCCTTCGGGGCC[G>A]GCCCACGGAGCTGCCTCGGGGTGCGTCTAGGGCTGCTTGAGGTCAAGTTGACACTGCTCC-3'
Protein context (NP_001052.3, residues 465-485): RPFTYLPFGA[Gly475Ser]PRSCLGVRLG